The following is an entry in ClinVar:

NM_020778.5(ALPK3):c.3701C>A (p.Ala1234Glu)

Gene: ALPK3 (alpha kinase 3; plus strand). Cytogenetic location: 15q25.3.
Variant type: single nucleotide variant.
Coding change: c.3701C>A on transcript NM_020778.5 (MANE Select); coding-DNA position 3701, C replaced by A.
Protein change: p.Ala1234Glu; replaces alanine 1234 with glutamic acid.
Molecular consequence: missense variant.
Genome position (GRCh38, 1-based): chr15:84,858,439, C>A. VCF-style: chr15-84858439-C-A. GRCh37 (hg19) VCF-style: chr15-85401670-C-A.
Other names: short protein forms A1234E.
Identifiers: ClinVar variation 4089201 (VCV004089201.1).

ClinVar aggregate classification (germline): Uncertain significance (1 of 4 stars; one submission).

Conditions:
Cardiovascular phenotype. Identifiers: MedGen CN230736.

Submission:

Ambry Genetics
Classification: Uncertain significance for Cardiovascular phenotype. Last evaluated: 2025-08-28. Review status: criteria provided, single submitter. Criteria: Ambry Variant Classification Scheme 2023. Collection method: clinical testing. Allele origin: germline.
Comment: The p.A1436E variant (also known as c.4307C>A), located in coding exon 6 of the ALPK3 gene, results from a C to A substitution at nucleotide position 4307. The alanine at codon 1436 is replaced by glutamic acid, an amino acid with dissimilar properties. This amino acid position is conserved. In addition, this alteration is predicted to be tolerated by in silico analysis. Based on the available evidence, the clinical significance of this variant remains unclear.